The following is an entry in ClinVar:

ClinVar aggregate classification (germline): Benign (1 of 4 stars; one submission).

Allele frequency attached by ClinVar (database versions not stated): 1000 Genomes Project 30x 0.00609; ExAC 0.00129; ESP Exome Variant Server 0.00143; gnomAD 0.00226.
gnomAD v4.1: 1,707 of 1,590,936 alleles (0.11%); highest among the groups gnomAD compares: African/African-American, 0.33%; 17 homozygotes.

Submission:

CeGaT Center for Human Genetics Tuebingen
Classification: Benign. Last evaluated: 2024-02-01. Review status: criteria provided, single submitter. Criteria: CeGaT Center For Human Genetics Tuebingen Variant Classification Criteria Version 2. Collection method: clinical testing. Allele origin: germline. Affected: yes. Observed: 4 variant alleles.
Comment: AHNAK2: BP4, BS1, BS2

NM_138420.4(AHNAK2):c.7756C>A (p.Leu2586Ile)

Gene: AHNAK2 (AHNAK nucleoprotein 2; minus strand). Cytogenetic location: 14q32.33.
Variant type: single nucleotide variant.
Coding change: c.7756C>A on transcript NM_138420.4 (MANE Select); coding-DNA position 7756, C replaced by A.
Protein change: p.Leu2586Ile; replaces leucine 2586 with isoleucine.
Molecular consequence: missense variant.
Genome position (GRCh38, 1-based): chr14:104,947,695, G>T on the plus strand (C>A on the coding strand, the complement: AHNAK2 is on the minus strand). VCF-style: chr14-104947695-G-T. GRCh37 (hg19) VCF-style: chr14-105414032-G-T.
Other names: c.7456C>A, p.Leu2486Ile (NM_001350929.2); short protein forms L2486I, L2586I.
Identifiers: ClinVar variation 2644718 (VCV002644718.24), dbSNP rs199905726, ClinGen allele CA7380401.
Genomic context (GRCh38, chr14:104,947,695, plus strand): 5'-CGGGGGCTGTCACTTCCGCCTTGGGGCCTTTCAGGTCCAGCTTGGGGCCCTTGACATCTA[G>T]CTGGGGGCCCTTGAGGTCCATTTCAGGCATCTTGAAACTGGGCATCTGCACCTTGGGCAG-3'
Protein context (NP_612429.2, residues 2576-2596): MPEMDLKGPQ[Leu2586Ile]DVKGPKLDLK